The following is an entry in ClinVar:

NM_144997.7(FLCN):c.235_238del (p.Ser79fs)

Gene: FLCN (folliculin; minus strand). Cytogenetic location: 17p11.2.
Variant type: Deletion.
Coding change: c.235_238del on transcript NM_144997.7 (MANE Select); coding-DNA positions 235 to 238, 4 bases deleted (TCGG; older notation c.235_238delTCGG).
Protein change: p.Ser79fs; shifts the reading frame from serine 79.
Molecular consequence: frameshift variant.
Genome position (GRCh38, 1-based): chr17:17,227,900-17,227,903, CCGA deleted on the plus strand (TCGG on the coding strand, the reverse complement: FLCN is on the minus strand); deleting any 4 consecutive bases within chr17:17,227,900-17,227,904 gives the same sequence; the c. name uses the placement nearest the transcript's 3' end. VCF-style (leftmost placement, unchanged base first): chr17-17227899-TCCGA-T. GRCh37 (hg19) VCF-style: chr17-17131213-TCCGA-T.
Other names: p.Ser79Thrfs*50; c.235_238del (LRG_325t1, NM_144997.5); c.235_238del, p.Ser79fs (NM_001353229.2, NM_001353230.2, NM_001353231.2 and 1 more transcripts); c.235_238delTCGG (NM_144997.7); short protein forms S79fs.
Identifiers: ClinVar variation 3371 (VCV000003371.27), dbSNP rs750146811, ClinGen allele CA8416487.

ClinVar aggregate classification (germline): Pathogenic. Review status: criteria provided, multiple submitters, no conflicts (2 of 4 stars). 13 submissions from 13 submitters: Pathogenic (12). 1 of the submissions does not count toward it. Last evaluated 2025-05-02.

Conditions:
FLCN-related disorders.
Birt-Hogg-Dube syndrome 1 (BHD1). Also called: FIBROFOLLICULOMAS WITH TRICHODISCOMAS AND ACROCHORDONS. Identifiers: Orphanet 122, MedGen CN375946, MONDO:0800445, OMIM 135150.
Hereditary cancer-predisposing syndrome. Also called: Tumor predisposition; Hereditary neoplastic syndrome; Hereditary Cancer Syndrome; Neoplastic Syndromes, Hereditary. Identifiers: Orphanet 140162, MedGen C0027672, MeSH D009386, MONDO:0015356.
Familial spontaneous pneumothorax (PSP). Identifiers: Orphanet 2903, MedGen C1868193, MONDO:0008259, OMIM 173600.
Birt-Hogg-Dube syndrome. Also called: Birt Hogg Dubé syndrome. Identifiers: Orphanet 122, MedGen C0346010, MONDO:0800444.

Submissions (13):

ARUP Laboratories, Molecular Genetics and Genomics, ARUP Laboratories
Classification: Pathogenic. Last evaluated: 2025-05-02. Review status: criteria provided, single submitter. Criteria: ARUP Molecular Germline Variant Investigation Process 2024. Collection method: clinical testing. Allele origin: germline.
Comment: The FLCN c.235_238del; p.Ser79ThrfsTer50 variant (rs750146811) is reported in the literature to segregate with bullous lung lesions and pneumothorax in a large family (Painter 2005). This variant is reported in ClinVar (Variation ID: 3371) and is found in the non-Finnish European population with an allele frequency of 0.0012% (3/251030 alleles) in the Genome Aggregation Database. Based on available information, this variant is considered to be pathogenic. References: Painter JN et al. A 4-bp deletion in the Birt-Hogg-DubÃ© gene (FLCN) causes dominantly inherited spontaneous pneumothorax. Am J Hum Genet. 2005 Mar;76(3):522-7. PMID: 15657874

Center for Genomic Medicine, Rigshospitalet, Copenhagen University Hospital
Classification: Pathogenic. Last evaluated: 2025-03-04. Review status: criteria provided, single submitter. Criteria: ACMG Guidelines, 2015. Collection method: clinical testing. Allele origin: germline.

Clinical Genetics Laboratory, Region Ostergotland
Classification: Pathogenic for Birt-Hogg-Dube syndrome 1. Last evaluated: 2025-01-28. Review status: criteria provided, single submitter. Criteria: ACMG Guidelines, 2015. Collection method: clinical testing. Allele origin: germline. Affected: yes.
Comment: The NM_144997.7 c.235_238del is a frameshift variant predicted to result in protein truncation or nonsense mediated decay in a gene for which loss-of-function is a known mechanism of disease. This variant was found in one proband with oligodendroglioma and a family history of malignancy, one proband with aneurysm and pneumothorax, and one proband with a clinical presentation of Birt-Hogg-Dubé syndrome (internal data). The variant is present at AF 0.000008569 in population database (gnomAD v4.1.0). The variant is found in patients with Birt-Hogg-Dubé syndrome (PMID:35176117) and familial Primary spontaneous pneumothorax (PMID:15657874). Based on this information, the following ACMG/AMP criteria were applied in classifying this variant: PVS1, PP1_strong, PS4_sup, PM2

Blueprint Genetics
Classification: Pathogenic for FLCN-related disorders. Last evaluated: 2024-08-15. Review status: criteria provided, single submitter. Criteria: ACMG Guidelines, 2015. Collection method: clinical testing. Allele origin: germline. Affected: yes. Observed: 5 variant alleles.

Labcorp Genetics (formerly Invitae), Labcorp
Classification: Pathogenic for Birt-Hogg-Dube syndrome. Last evaluated: 2023-10-20. Review status: criteria provided, single submitter. Criteria: Invitae Variant Classification Sherloc (09022015). Collection method: clinical testing. Allele origin: germline.
Comment: This sequence change creates a premature translational stop signal (p.Ser79Thrfs*50) in the FLCN gene. It is expected to result in an absent or disrupted protein product. Loss-of-function variants in FLCN are known to be pathogenic (PMID: 15852235). This variant is present in population databases (rs750146811, gnomAD 0.003%). This premature translational stop signal has been observed in individual(s) with bullous lung lesions and pneumothorax (PMID: 15657874). It has also been observed to segregate with disease in related individuals. ClinVar contains an entry for this variant (Variation ID: 3371). For these reasons, this variant has been classified as Pathogenic.

Clinical Genetics Laboratory, Skane University Hospital Lund
Classification: Pathogenic. Last evaluated: 2023-02-16. Review status: criteria provided, single submitter. Criteria: ACMG Guidelines, 2015. Collection method: clinical testing. Allele origin: germline. Affected: yes.

Ambry Genetics
Classification: Pathogenic for Hereditary cancer-predisposing syndrome. Last evaluated: 2023-02-08. Review status: criteria provided, single submitter. Criteria: Ambry Variant Classification Scheme 2023. Collection method: clinical testing. Allele origin: germline.
Comment: The c.235_238delTCGG pathogenic mutation, located in coding exon 1 of the FLCN gene, results from a deletion of 4 nucleotides between positions 235 and 238, causing a translational frameshift with a predicted alternate stop codon (p.S79Tfs*50). This mutation, designated as c.733delTCGG, was first reported as strongly segregating with an isolated primary spontaneous pneumothorax (PSP) phenotype in a large Finnish family (Painter JN et al. Am. J. Hum. Genet. 2005; 76:522-7). In addition to the clinical data presented in the literature, this alteration is expected to result in loss of function by premature protein truncation or nonsense-mediated mRNA decay. As such, this alteration is interpreted as a disease-causing mutation.

Myriad Genetics, Inc.
Classification: Pathogenic for Birt-Hogg-Dube syndrome 1. Last evaluated: 2023-01-18. Review status: criteria provided, single submitter. Criteria: Myriad Autosomal Dominant, Autosomal Recessive and X-Linked Classification Criteria (2023). Collection method: clinical testing. Allele origin: unknown.
Comment: This variant is considered pathogenic. This variant creates a frameshift predicted to result in premature protein truncation.

Mayo Clinic Laboratories, Mayo Clinic
Classification: Pathogenic. Last evaluated: 2022-07-19. Review status: criteria provided, single submitter. Criteria: ACMG Guidelines, 2015. Collection method: clinical testing. Allele origin: germline. Observed: 1 variant allele.
Comment: PP1, PP4, PM2, PS4_moderate, PVS1

GeneDx
Classification: Pathogenic. Last evaluated: 2022-06-27. Review status: criteria provided, single submitter. Criteria: GeneDx Variant Classification Process June 2021. Collection method: clinical testing. Allele origin: germline. Affected: yes.
Comment: Frameshift variant predicted to result in protein truncation or nonsense mediated decay in a gene for which loss-of-function is a known mechanism of disease; Not observed at significant frequency in large population cohorts (gnomAD); This variant is associated with the following publications: (PMID: 27780965, 29357828, 24430303, 19116017, 23223565, 15657874, 19802896, 21937013, 19562744, 33726816, 35176117)

Genomic Diagnostic Laboratory, Division of Genomic Diagnostics, Children's Hospital of Philadelphia
Classification: Pathogenic for Birt-Hogg-Dube Syndrome. Last evaluated: 2016-07-18. Review status: criteria provided, single submitter. Criteria: DGD Variant Analysis Guidelines. Collection method: clinical testing. Allele origin: germline. Affected: yes. Observed: 1 variant allele.
Comment: Clinical Testing

Clinical Genetics and Genomics, Karolinska University Hospital
Classification: Pathogenic. Last evaluated: 2014-05-28. Review status: criteria provided, single submitter. Criteria: ACMG Guidelines, 2015. Collection method: clinical testing. Allele origin: germline. Affected: yes. Observed: 28 variant alleles.

OMIM
Classification: Pathogenic for PNEUMOTHORAX, PRIMARY SPONTANEOUS. Last evaluated: 2009-09-01. Review status: no assertion criteria provided. Collection method: literature only. Allele origin: germline. Not counted in ClinVar's aggregate classification.

Literature cited by the submitters: PubMed 15657874 (cited by 6 submitters); PubMed 35176117 (cited by 3 submitters); PubMed 15852235 (cited by Labcorp Genetics (formerly Invitae), Labcorp); PubMed 19562744 (cited by OMIM).